The following is an entry in ClinVar:

NM_000430.4(PAFAH1B1):c.826G>T (p.Glu276Ter)

Gene: PAFAH1B1 (platelet activating factor acetylhydrolase 1b regulatory subunit 1; plus strand). Cytogenetic location: 17p13.3.
Variant type: single nucleotide variant.
Coding change: c.826G>T on transcript NM_000430.4 (MANE Select); coding-DNA position 826, G replaced by T.
Protein change: p.Glu276Ter; replaces glutamic acid 276 with a stop codon.
Molecular consequence: nonsense.
Genome position (GRCh38, 1-based): chr17:2,674,214, G>T. VCF-style: chr17-2674214-G-T. GRCh37 (hg19) VCF-style: chr17-2577508-G-T.
Other names: short protein forms E276*.
Identifiers: ClinVar variation 265609 (VCV000265609.2), dbSNP rs886039665, ClinGen allele CA10588646.

ClinVar aggregate classification (germline): Pathogenic (1 of 4 stars; one submission).

Submission:

GeneDx
Classification: Pathogenic. Last evaluated: 2016-06-26. Review status: criteria provided, single submitter. Criteria: GeneDx Variant Classification (06012015). Collection method: clinical testing. Allele origin: germline. Affected: yes.
Comment: The E276X nonsense pathogenic variant in the PAFAH1B1 gene is predicted to cause loss of normal protein function either through protein truncation or nonsense-mediated mRNA decay. It was not observed in approximately 6,500 individuals of European and African American ancestry in the NHLBI Exome Sequencing Project, indicating it is not a common benign variant in these populations.